The following is an entry in ClinVar:

ClinVar aggregate classification (germline): Benign. Review status: criteria provided, multiple submitters, no conflicts (2 of 4 stars). 4 submissions from 4 submitters: Benign (3). 1 of the submissions does not count toward it. Last evaluated 2026-02-04.

Conditions:
Trichohepatoenteric syndrome 2 (THES2). Identifiers: Orphanet 84064, MedGen C3281289, MONDO:0013818, OMIM 614602.
SKIC2-related disorder. Also called: SKIC2-related condition.

Allele frequency attached by ClinVar (database versions not stated): ESP Exome Variant Server 0.00983; 1000 Genomes Project 0.01518; 1000 Genomes Project 30x 0.01546.
gnomAD v4.1: 9,751 of 1,612,956 alleles (0.6%); highest among the groups gnomAD compares: East Asian, 3.7%; 120 homozygotes.

Submissions (4):

Labcorp Genetics (formerly Invitae), Labcorp
Classification: Benign. Last evaluated: 2026-02-04. Review status: criteria provided, single submitter. Criteria: Invitae Variant Classification Sherloc (09022015). Collection method: clinical testing. Allele origin: germline.

Mayo Clinic Laboratories, Mayo Clinic
Classification: Benign. Last evaluated: 2025-03-31. Review status: criteria provided, single submitter. Criteria: ACMG Guidelines, 2015. Collection method: clinical testing. Allele origin: germline. Observed: 3 variant alleles.
Comment: BS1, BS2, BP4, BP7

Illumina Laboratory Services, Illumina
Classification: Benign for Trichohepatoenteric syndrome 2. Last evaluated: 2018-01-13. Review status: criteria provided, single submitter. Criteria: ICSL Variant Classification Criteria 13 December 2019. Collection method: clinical testing. Allele origin: germline.
Comment: This variant was observed in the ICSL laboratory as part of a predisposition screen in an ostensibly healthy population. It had not been previously curated by ICSL or reported in the Human Gene Mutation Database (HGMD: prior to June 1st, 2018), and was therefore a candidate for classification through an automated scoring system. Utilizing variant allele frequency, disease prevalence and penetrance estimates, and inheritance mode, an automated score was calculated to assess if this variant is too frequent to cause the disease. Based on the score and internal cut-off values, a variant classified as benign is not then subjected to further curation. The score for this variant resulted in a classification of benign for this disease.

PreventionGenetics, part of Exact Sciences
Classification: Benign for SKIC2-related condition. Last evaluated: 2019-05-01. Review status: no assertion criteria provided. Collection method: clinical testing. Allele origin: germline. Not counted in ClinVar's aggregate classification.
Comment: This variant is classified as benign based on ACMG/AMP sequence variant interpretation guidelines (Richards et al. 2015 PMID: 25741868, with internal and published modifications).

NM_006929.5(SKIC2):c.2052C>T (p.His684=)

Gene: SKIC2 (SKI2 subunit of superkiller complex; plus strand). Cytogenetic location: 6p21.33.
Variant type: single nucleotide variant.
Coding change: c.2052C>T on transcript NM_006929.5 (MANE Select); coding-DNA position 2052, C replaced by T.
Protein change: p.His684=; no amino-acid change (histidine 684 retained).
Molecular consequence: synonymous variant.
Genome position (GRCh38, 1-based): chr6:31,965,863, C>T. VCF-style: chr6-31965863-C-T. GRCh37 (hg19) VCF-style: chr6-31933640-C-T.
Other names: p.His684=.
Identifiers: ClinVar variation 356331 (VCV000356331.16), dbSNP rs61761946, ClinGen allele CA3729673.